The following is an entry in ClinVar:

ClinVar aggregate classification (germline): Uncertain significance. Review status: criteria provided, multiple submitters, no conflicts (2 of 4 stars). 2 submissions from 2 submitters: Uncertain significance (2). Last evaluated 2025-09-07.

Conditions:
Baller-Gerold syndrome (BGS). Also called: CRANIOSYNOSTOSIS WITH RADIAL DEFECTS. Identifiers: Orphanet 1225, MedGen C0265308, MONDO:0009039, OMIM 218600.
Inborn genetic diseases. Identifiers: MedGen C0950123, MeSH D030342.

Allele frequency attached by ClinVar (database versions not stated): gnomAD exomes below 0.00001; ExAC 0.00001.
gnomAD v4.1: 3 of 1,612,942 alleles (0.00019%); highest among the groups gnomAD compares: Non-Finnish European, 0.00017%; no homozygotes.

Submissions (2):

Ambry Genetics
Classification: Uncertain significance for Inborn genetic diseases. Last evaluated: 2025-09-07. Review status: criteria provided, single submitter. Criteria: Ambry Variant Classification Scheme 2023. Collection method: clinical testing. Allele origin: germline.
Comment: The p.T398P variant (also known as c.1192A>C), located in coding exon 6 of the RECQL4 gene, results from an A to C substitution at nucleotide position 1192. The threonine at codon 398 is replaced by proline, an amino acid with highly similar properties. This amino acid position is conserved. In addition, this alteration is predicted to be tolerated by in silico analysis. Based on the available evidence, the clinical significance of this variant remains unclear.

Labcorp Genetics (formerly Invitae), Labcorp
Classification: Uncertain significance for Baller-Gerold syndrome. Last evaluated: 2023-10-28. Review status: criteria provided, single submitter. Criteria: Invitae Variant Classification Sherloc (09022015). Collection method: clinical testing. Allele origin: germline.
Comment: This sequence change replaces threonine, which is neutral and polar, with proline, which is neutral and non-polar, at codon 398 of the RECQL4 protein (p.Thr398Pro). This variant is present in population databases (rs765190572, gnomAD 0.0009%). This variant has not been reported in the literature in individuals affected with RECQL4-related conditions. ClinVar contains an entry for this variant (Variation ID: 1399426). Advanced modeling of protein sequence and biophysical properties (such as structural, functional, and spatial information, amino acid conservation, physicochemical variation, residue mobility, and thermodynamic stability) performed at Invitae indicates that this missense variant is not expected to disrupt RECQL4 protein function with a negative predictive value of 80%. In summary, the available evidence is currently insufficient to determine the role of this variant in disease. Therefore, it has been classified as a Variant of Uncertain Significance.

NM_004260.4(RECQL4):c.1192A>C (p.Thr398Pro)

Gene: RECQL4 (RecQ like helicase 4; minus strand). Cytogenetic location: 8q24.3.
Variant type: single nucleotide variant.
Coding change: c.1192A>C on transcript NM_004260.4 (MANE Select); coding-DNA position 1192, A replaced by C.
Protein change: p.Thr398Pro; replaces threonine 398 with proline.
Molecular consequence: missense variant.
Genome position (GRCh38, 1-based): chr8:144,515,830, T>G on the plus strand (A>C on the coding strand, the complement: RECQL4 is on the minus strand). VCF-style: chr8-144515830-T-G. GRCh37 (hg19) VCF-style: chr8-145741214-T-G.
Other names: c.1192A>C (NM_004260.3); short protein forms T398P.
Identifiers: ClinVar variation 1399426 (VCV001399426.7), dbSNP rs765190572, ClinGen allele CA4948991.